The following is an entry in ClinVar:

ClinVar aggregate classification (germline): Uncertain significance. Review status: criteria provided, multiple submitters, no conflicts (2 of 4 stars). 2 submissions from 2 submitters: Uncertain significance (2). Last evaluated 2023-01-30.

Submissions (2):

Blueprint Genetics
Classification: Uncertain significance. Last evaluated: 2023-01-30. Review status: criteria provided, single submitter. Criteria: ACMG Guidelines, 2015. Collection method: clinical testing. Allele origin: germline.

Labcorp Genetics (formerly Invitae), Labcorp
Classification: Uncertain significance. Last evaluated: 2022-07-12. Review status: criteria provided, single submitter. Criteria: Invitae Variant Classification Sherloc (09022015). Collection method: clinical testing. Allele origin: germline.
Comment: Experimental studies and prediction algorithms are not available or were not evaluated, and the functional significance of this variant is currently unknown. In summary, the available evidence is currently insufficient to determine the role of this variant in disease. Therefore, it has been classified as a Variant of Uncertain Significance. ClinVar contains an entry for this variant (Variation ID: 1476571). This variant has not been reported in the literature in individuals affected with DEAF1-related conditions. This variant is not present in population databases (gnomAD no frequency). This variant, c.247_267dup, results in the insertion of 7 amino acid(s) of the DEAF1 protein (p.Leu83_Ala89dup), but otherwise preserves the integrity of the reading frame.

NM_021008.4(DEAF1):c.247_267dup (p.Ala89_Ala90insLeuProGlyProAspGluAla)

Gene: DEAF1 (DEAF1 transcription factor; minus strand). Cytogenetic location: 11p15.5.
Variant type: Duplication.
Coding change: c.247_267dup on transcript NM_021008.4 (MANE Select); coding-DNA positions 247 to 267, 21 bases duplicated (CTGCCCGGCCCCGACGAGGCC).
Protein change: p.Ala89_Ala90insLeuProGlyProAspGluAla.
Molecular consequence: inframe insertion. On other transcripts: inframe indel (1), intron variant (1).
Genome position (GRCh38, 1-based): chr11:694,781-694,801, GGCCTCGTCGGGGCCGGGCAG duplicated on the plus strand (CTGCCCGGCCCCGACGAGGCC on the coding strand, the reverse complement: DEAF1 is on the minus strand); duplicating any 21 consecutive bases within chr11:694,781-694,808 gives the same sequence; the c. name uses the placement nearest the transcript's 3' end. VCF-style (leftmost placement, unchanged base first): chr11-694780-C-CGGCCTCGTCGGGGCCGGGCAG. GRCh37 (hg19) VCF-style: chr11-694780-C-CGGCCTCGTCGGGGCCGGGCAG.
Other names: c.240_260dup, p.Ala89_Ala90insLeuProGlyProAspGluAla (NM_001293634.2); c.-437-3203_-437-3183dup (NM_001367390.1).
Identifiers: ClinVar variation 1476571 (VCV001476571.7), dbSNP rs1861033651, ClinGen allele CA1947238353.